The following is an entry in ClinVar:

ClinVar aggregate classification (germline): Uncertain significance. Review status: criteria provided, multiple submitters, no conflicts (2 of 4 stars). 2 submissions from 2 submitters: Uncertain significance (2). Last evaluated 2024-11-26.

Conditions:
Inborn genetic diseases. Identifiers: MedGen C0950123, MeSH D030342.

Allele frequency attached by ClinVar (database versions not stated): gnomAD exomes 0.00001; ExAC 0.00002; gnomAD 0.00003; TOPMed 0.00003.
gnomAD v4.1: 13 of 1,613,506 alleles (0.00081%); highest among the groups gnomAD compares: African/African-American, 0.0093%; no homozygotes.

Submissions (2):

Ambry Genetics
Classification: Uncertain significance for Inborn genetic diseases. Last evaluated: 2024-11-26. Review status: criteria provided, single submitter. Criteria: Ambry Variant Classification Scheme 2023. Collection method: clinical testing. Allele origin: germline.

Labcorp Genetics (formerly Invitae), Labcorp
Classification: Uncertain significance. Last evaluated: 2022-07-14. Review status: criteria provided, single submitter. Criteria: Invitae Variant Classification Sherloc (09022015). Collection method: clinical testing. Allele origin: germline.
Comment: This sequence change replaces valine, which is neutral and non-polar, with alanine, which is neutral and non-polar, at codon 913 of the ADAMTS17 protein (p.Val913Ala). This variant is present in population databases (rs746767578, gnomAD 0.006%). This variant has not been reported in the literature in individuals affected with ADAMTS17-related conditions. Algorithms developed to predict the effect of missense changes on protein structure and function are either unavailable or do not agree on the potential impact of this missense change (SIFT: "Not Available"; PolyPhen-2: "Benign"; Align-GVGD: "Not Available"). In summary, the available evidence is currently insufficient to determine the role of this variant in disease. Therefore, it has been classified as a Variant of Uncertain Significance.

NM_139057.4(ADAMTS17):c.2738T>C (p.Val913Ala)

Gene: ADAMTS17 (ADAM metallopeptidase with thrombospondin type 1 motif 17; minus strand). Cytogenetic location: 15q26.3.
Variant type: single nucleotide variant.
Coding change: c.2738T>C on transcript NM_139057.4 (MANE Select); coding-DNA position 2738, T replaced by C.
Protein change: p.Val913Ala; replaces valine 913 with alanine.
Molecular consequence: missense variant.
Genome position (GRCh38, 1-based): chr15:99,997,443, A>G on the plus strand (T>C on the coding strand, the complement: ADAMTS17 is on the minus strand). VCF-style: chr15-99997443-A-G. GRCh37 (hg19) VCF-style: chr15-100537648-A-G.
Other names: c.2738T>C (NM_139057.2); short protein forms V913A.
Identifiers: ClinVar variation 2181531 (VCV002181531.2), dbSNP rs746767578, ClinGen allele CA7757594.